The following is an entry in ClinVar:

NM_001005242.3(PKP2):c.2402A>G (p.Tyr801Cys)

Gene: PKP2 (plakophilin 2; minus strand). Cytogenetic location: 12p11.21.
Variant type: single nucleotide variant.
Coding change: c.2402A>G on transcript NM_001005242.3 (MANE Select); coding-DNA position 2402, A replaced by G.
Protein change: p.Tyr801Cys; replaces tyrosine 801 with cysteine.
Molecular consequence: missense variant.
Genome position (GRCh38, 1-based): chr12:32,792,687, T>C on the plus strand (A>G on the coding strand, the complement: PKP2 is on the minus strand). VCF-style: chr12-32792687-T-C. GRCh37 (hg19) VCF-style: chr12-32945621-T-C.
Other names: c.2534A>G, p.Tyr845Cys (NM_004572.4); short protein forms Y845C, Y801C.
Identifiers: ClinVar variation 629074 (VCV000629074.8), dbSNP rs1060501187, ClinGen allele CA384356920.

ClinVar aggregate classification (germline): Uncertain significance. Review status: criteria provided, multiple submitters, no conflicts (2 of 4 stars). 3 submissions from 3 submitters: Uncertain significance (3). Last evaluated 2026-04-05.

Conditions:
Cardiovascular phenotype. Identifiers: MedGen CN230736.
Cardiomyopathy (CMYO). Also called: Cardiomyopathies. Identifiers: Orphanet 167848, MedGen C0878544, MONDO:0004994, HP:0001638. Inheritance: Various modes of inheritance.

Allele frequency attached by ClinVar (database versions not stated): gnomAD 0.00001.
gnomAD v4.1: 5 of 1,614,122 alleles (0.00031%); highest among the groups gnomAD compares: Middle Eastern, 0.033%; no homozygotes.

Submissions (3):

GeneDx
Classification: Uncertain significance. Last evaluated: 2026-04-05. Review status: criteria provided, single submitter. Criteria: GeneDx Variant Classification Process June 2021. Collection method: clinical testing. Allele origin: germline.
Comment: Not observed at significant frequency in large population cohorts (gnomAD); In silico analysis supports that this missense variant has a deleterious effect on protein structure/function; Has not been previously published as pathogenic or benign to our knowledge

Ambry Genetics
Classification: Uncertain significance for Cardiovascular phenotype. Last evaluated: 2026-03-09. Review status: criteria provided, single submitter. Criteria: Ambry Variant Classification Scheme 2023. Collection method: clinical testing. Allele origin: germline.

Color Diagnostics, LLC DBA Color Health
Classification: Uncertain significance for Cardiomyopathy. Last evaluated: 2023-12-04. Review status: criteria provided, single submitter. Criteria: ACMG Guidelines, 2015. Collection method: clinical testing. Allele origin: germline.
Comment: Variant of Uncertain Significance due to insufficient evidence: This missense variant is located in the Armadillo repeat 9 near the C-terminus of the PKP2 protein. Computational prediction tools and conservation analyses are inconclusive regarding the impact of this variant on the protein function. Computational splicing tools suggest that this variant may not impact the RNA splicing. To our knowledge, functional assays have not been performed for this variant nor has this variant been reported in individuals affected with cardiovascular disorders in the literature. This variant is rare in the general population and has been identified in 0/277264 chromosomes by the Genome Aggregation Database (gnomAD). Available evidence is insufficient to determine the pathogenicity of this variant conclusively.